The following is an entry in ClinVar:

NM_004837.4(GGPS1):c.856G>T (p.Ala286Ser)

Gene: GGPS1 (geranylgeranyl diphosphate synthase 1; plus strand). Cytogenetic location: 1q42.3.
Variant type: single nucleotide variant.
Coding change: c.856G>T on transcript NM_004837.4 (MANE Select); coding-DNA position 856, G replaced by T.
Protein change: p.Ala286Ser; replaces alanine 286 with serine.
Molecular consequence: missense variant.
Genome position (GRCh38, 1-based): chr1:235,342,725, G>T. VCF-style: chr1-235342725-G-T. GRCh37 (hg19) VCF-style: chr1-235506040-G-T.
Other names: c.856G>T, p.Ala286Ser (NM_001037277.1, NM_001371477.1, NM_001371478.1); c.694G>T, p.Ala232Ser (NM_001037278.2); short protein forms A232S, A286S.
Identifiers: ClinVar variation 3898029 (VCV003898029.1).

ClinVar aggregate classification (germline): Uncertain significance (1 of 4 stars; one submission).

Conditions:
Muscular dystrophy, congenital hearing loss, and ovarian insufficiency syndrome. Identifiers: MedGen C5561980, MONDO:0859189, OMIM 619518.

gnomAD v4.1: 180 of 1,602,346 alleles (0.011%); highest among the groups gnomAD compares: South Asian, 0.17%; 1 homozygote.

Submission:

Neuberg Centre For Genomic Medicine, NCGM
Classification: Uncertain significance for Muscular dystrophy, congenital hearing loss, and ovarian insufficiency syndrome. Last evaluated: 2024-02-01. Review status: criteria provided, single submitter. Criteria: ACMG Guidelines, 2015. Collection method: clinical testing. Allele origin: germline. Inheritance: Autosomal recessive inheritance.
Comment: The above variant has not been reported previously in affected individuals, to our knowledge. Additional data will be required to prove the pathogenicity of this variant. For these reasons, this variant has been classified as Variant of Uncertain Significance (VUS).